The following is an entry in ClinVar:

NM_001122764.3(PPOX):c.617-3C>A

Gene: PPOX (protoporphyrinogen oxidase; plus strand). Cytogenetic location: 1q23.3.
Variant type: single nucleotide variant.
Coding change: c.617-3C>A on transcript NM_001122764.3 (MANE Select); 3 bases into the intron before coding-DNA position 617, C replaced by A.
Molecular consequence: intron variant.
Genome position (GRCh38, 1-based): chr1:161,168,990, C>A. VCF-style: chr1-161168990-C-A. GRCh37 (hg19) VCF-style: chr1-161138780-C-A.
Other names: c.131-3C>A (NM_001350130.2, NM_001350131.2, NM_001365401.1); c.518-3C>A (NM_001350128.2); c.209-3C>A (NM_001350129.2, NM_001365400.1); c.617-3C>A (NM_001365399.1, NM_000309.5, NM_001365398.1).
Identifiers: ClinVar variation 1471606 (VCV001471606.8), dbSNP rs2101876167, ClinGen allele CA2573130579.

ClinVar aggregate classification (germline): Uncertain significance (1 of 4 stars; one submission).

Allele frequency attached by ClinVar (database versions not stated): gnomAD exomes below 0.00001.
gnomAD v4.1: 4 of 1,613,740 alleles (0.00025%); highest among the groups gnomAD compares: Non-Finnish European, 0.00034%; no homozygotes.

Submission:

Labcorp Genetics (formerly Invitae), Labcorp
Classification: Uncertain significance. Last evaluated: 2020-11-16. Review status: criteria provided, single submitter. Criteria: Invitae Variant Classification Sherloc (09022015). Collection method: clinical testing. Allele origin: germline.
Comment: In summary, the available evidence is currently insufficient to determine the role of this variant in disease. Therefore, it has been classified as a Variant of Uncertain Significance. Nucleotide substitutions within the consensus splice site are a relatively common cause of aberrant splicing (PMID: 17576681, 9536098). Algorithms developed to predict the effect of sequence changes on RNA splicing suggest that this variant may disrupt the consensus splice site, but this prediction has not been confirmed by published transcriptional studies. This variant has been observed in individual(s) with a proven of putative diagnosis of acute intermittent porphyria (PMID: 19460837, Invitae). This variant is not present in population databases (ExAC no frequency). This sequence change falls in intron 6 of the PPOX gene. It does not directly change the encoded amino acid sequence of the PPOX protein. It affects a nucleotide within the consensus splice site of the intron.

Literature cited by the submitters: PubMed 17576681; PubMed 9536098; PubMed 19460837.